The following is an entry in ClinVar:

NM_007294.4(BRCA1):c.135-2435C>G

Gene: BRCA1 (BRCA1 DNA repair associated; minus strand). Cytogenetic location: 17q21.31.
Variant type: single nucleotide variant.
Coding change: c.135-2435C>G on transcript NM_007294.4 (MANE Select); 2435 bases into the intron before coding-DNA position 135, C replaced by G.
Molecular consequence: intron variant.
Genome position (GRCh38, 1-based): chr17:43,108,968, G>C on the plus strand (C>G on the coding strand, the complement: BRCA1 is on the minus strand). VCF-style: chr17-43108968-G-C. GRCh37 (hg19) VCF-style: chr17-41260985-G-C.
Other names: IVS 3-2435C>G; c.-7-2435C>G (NM_001408458.1, NM_001407931.1, NM_001407747.1 and 82 more transcripts); c.-218-14108C>G (NM_001407967.1, NM_001407966.1); c.-169-4012C>G (NM_001407959.1, NM_001407962.1, NM_001408512.1 and 3 more transcripts); c.-54-2435C>G (NM_001407885.1, NM_001407886.1, NM_001407898.1 and 56 more transcripts); c.-8+1497C>G (NM_001407746.1, NM_001408468.1, NM_001407842.1 and 14 more transcripts); c.135-2435C>G (NM_001407686.1, NM_001408397.1, NM_001407632.1 and 167 more transcripts); c.81-4012C>G (NM_001408451.1); and 3 more.
Identifiers: ClinVar variation 209500 (VCV000209500.2), dbSNP rs142808159, ClinGen allele CA276470.
Genomic context (GRCh38, chr17:43,108,968, plus strand): 5'-TCTTGAACCCGGGAGGCGGAGGTTGCAGTAAACTGAGATCGCGCCATTGCACTCCAGCCT[G>C]GGCAACAAGAGCGAAACTCCATCTCAAAAACAAAACAAAACAAAACAAAAAAACCCCAAC-3'

ClinVar aggregate classification (germline): Benign (3 of 4 stars; one submission).

Conditions:
Breast-ovarian cancer, familial, susceptibility to, 1 (BROVCA1). Also called: BRCA1 Hereditary Breast and Ovarian Cancer; OVARIAN CANCER, SUSCEPTIBILITY TO. Identifiers: Orphanet 145, MedGen C2676676, MONDO:0011450, OMIM 604370. Disease mechanism: loss of function.

Allele frequency attached by ClinVar (database versions not stated): 1000 Genomes Project 30x 0.00921; 1000 Genomes Project 0.00958; TOPMed 0.01509; gnomAD 0.01588 and 0.01631.
gnomAD v4.1: 2,440 of 152,136 alleles (1.6%); highest among the groups gnomAD compares: Middle Eastern, 4.4%; 32 homozygotes.

Submission:

Evidence-based Network for the Interpretation of Germline Mutant Alleles (ENIGMA)
Classification: Benign for Breast-ovarian cancer, familial 1. Last evaluated: 2015-01-12. Review status: reviewed by expert panel. Criteria: ENIGMA BRCA1/2 Classification Criteria (2015). Collection method: curation. Allele origin: germline.
Comment: Class 1 not pathogenic based on frequency >1% in an outbred sampleset. Frequency 0.02507 (European), derived from 1000 genomes (2012-04-30).